The following is an entry in ClinVar:

ClinVar aggregate classification (germline): Uncertain significance (1 of 4 stars; one submission).

Conditions:
Isolated microphthalmia 5. Also called: Posterior Microphthalmia with Retinitis Pigmentosa, Foveoschisis, and Optic Disc Drusen. Identifiers: Orphanet 251279, MedGen C1970236, MONDO:0012605, OMIM 611040.

Submission:

Labcorp Genetics (formerly Invitae), Labcorp
Classification: Uncertain significance for Isolated microphthalmia 5. Last evaluated: 2022-03-10. Review status: criteria provided, single submitter. Criteria: Invitae Variant Classification Sherloc (09022015). Collection method: clinical testing. Allele origin: germline.
Comment: In summary, the available evidence is currently insufficient to determine the role of this variant in disease. Therefore, it has been classified as a Variant of Uncertain Significance. Algorithms developed to predict the effect of missense changes on protein structure and function are either unavailable or do not agree on the potential impact of this missense change (SIFT: "Deleterious"; PolyPhen-2: "Probably Damaging"; Align-GVGD: "Class C0"). This variant has not been reported in the literature in individuals affected with MFRP-related conditions. This variant is not present in population databases (gnomAD no frequency). This sequence change replaces phenylalanine, which is neutral and non-polar, with serine, which is neutral and polar, at codon 65 of the MFRP protein (p.Phe65Ser).

NM_031433.4(MFRP):c.194T>C (p.Phe65Ser)

Genes: C1QTNF5 (C1q and TNF related 5; minus strand), MFRP (membrane frizzled-related protein; minus strand). Cytogenetic location: 11q23.3.
Variant type: single nucleotide variant.
Coding change: c.194T>C on transcript NM_031433.4 (MANE Select); coding-DNA position 194, T replaced by C.
Protein change: p.Phe65Ser; replaces phenylalanine 65 with serine.
Molecular consequence: missense variant. On other transcripts: 5 prime UTR variant (1).
Genome position (GRCh38, 1-based): chr11:119,346,123, A>G on the plus strand (T>C on the coding strand, the complement: MFRP is on the minus strand). VCF-style: chr11-119346123-A-G. GRCh37 (hg19) VCF-style: chr11-119216833-A-G.
Other names: c.-2443T>C (NM_015645.5); short protein forms F65S.
Identifiers: ClinVar variation 2108409 (VCV002108409.4), dbSNP rs2497094505, ClinGen allele CA382979521.